The following is an entry in ClinVar:

ClinVar aggregate classification (germline): Uncertain significance (1 of 4 stars; one submission).

Conditions:
Leigh syndrome (NULS). Also called: Leigh's necrotizing encephalopathy; Leigh's disease; Leigh's syndrome; LEIGH SYNDROME, NUCLEAR; Leigh Syndrome (mtDNA deletion); Leigh Disease. Identifiers: Orphanet 506, MedGen C2931891, MONDO:0009723, OMIM 256000.

Submission:

Wong Mito Lab, Molecular and Human Genetics, Baylor College of Medicine
Classification: Uncertain significance for Leigh syndrome. Last evaluated: 2019-10-17. Review status: criteria provided, single submitter. Criteria: Modified ACMG Guidelines (Unpublished). Collection method: clinical testing. Allele origin: germline.
Comment: The NC_012920.1:m.14423G>A (YP_003024037.1:p.Ser84Leu) variant in MTND6 gene is interpretated to be a Uncertain Significance variant based on the modified ACMG guidelines (unpublished). This variant meets the following evidence codes: no criteria

NC_012920.1(MT-ND6):m.14423G>A

Gene: MT-ND6 (mitochondrially encoded NADH dehydrogenase 6; minus strand).
Variant type: single nucleotide variant.
Genome position: chrM-14423-G-A.
Identifiers: ClinVar variation 693722 (VCV000693722.1), dbSNP rs1603224726, ClinGen allele CA414822403.